The following is an entry in ClinVar:

ClinVar aggregate classification (germline): Conflicting classifications of pathogenicity. Review status: criteria provided, conflicting classifications (1 of 4 stars). 3 submissions from 3 submitters: Uncertain significance (1); Benign (1); Likely benign (1). Last evaluated 2025-05-17.

Conditions:
Inborn genetic diseases. Identifiers: MedGen C0950123, MeSH D030342.
Idiopathic generalized epilepsy. Also called: Generalised epilepsy; EIG. Identifiers: MedGen C0270850, MONDO:0005579, OMIM 600669.
Hyperaldosteronism, familial, type IV (HALD4). Also called: FH IV; ALDOSTERONISM, PRIMARY, AND HYPERTENSION. Identifiers: Orphanet 642671, MedGen C4310756, MONDO:0014875, OMIM 617027.
Epilepsy, childhood absence, susceptibility to, 6. Identifiers: Orphanet 64280, MedGen C2749872, MONDO:0012763, OMIM 611942.

Allele frequency attached by ClinVar (database versions not stated): ExAC 0.00001; gnomAD exomes 0.00001 and 0.00002; gnomAD 0.00003; TOPMed 0.00004; 1000 Genomes Project 30x 0.00016; 1000 Genomes Project 0.00020.
gnomAD v4.1: 34 of 1,611,054 alleles (0.0021%); highest among the groups gnomAD compares: Admixed American, 0.01%; no homozygotes.

Submissions (3):

Labcorp Genetics (formerly Invitae), Labcorp
Classification: Benign for Idiopathic generalized epilepsy; Hyperaldosteronism, familial, type IV. Last evaluated: 2025-05-17. Review status: criteria provided, single submitter. Criteria: Invitae Variant Classification Sherloc (09022015). Collection method: clinical testing. Allele origin: germline.

Ambry Genetics
Classification: Likely benign for Inborn genetic diseases. Last evaluated: 2022-06-24. Review status: criteria provided, single submitter. Criteria: Ambry Variant Classification Scheme 2023. Collection method: clinical testing. Allele origin: germline.

Baylor Genetics
Classification: Uncertain significance for Epilepsy, childhood absence, susceptibility to, 6. Last evaluated: 2018-05-15. Review status: criteria provided, single submitter. Criteria: ACMG Guidelines, 2015. Collection method: clinical testing. Allele origin: maternal. Affected: yes.
Comment: This variant was determined to be of uncertain significance according to ACMG Guidelines, 2015 [PMID:25741868].

NM_021098.3(CACNA1H):c.2228C>T (p.Thr743Met)

Gene: CACNA1H (calcium voltage-gated channel subunit alpha1 H; plus strand). Cytogenetic location: 16p13.3.
Variant type: single nucleotide variant.
Coding change: c.2228C>T on transcript NM_021098.3 (MANE Select); coding-DNA position 2228, C replaced by T.
Protein change: p.Thr743Met; replaces threonine 743 with methionine.
Molecular consequence: missense variant.
Genome position (GRCh38, 1-based): chr16:1,204,235, C>T. VCF-style: chr16-1204235-C-T. GRCh37 (hg19) VCF-style: chr16-1254235-C-T.
Other names: c.2228C>T, p.Thr743Met (NM_001005407.2); short protein forms T743M.
Identifiers: ClinVar variation 642330 (VCV000642330.9), dbSNP rs574809183, ClinGen allele CA7800161.